The following is an entry in ClinVar:

ClinVar aggregate classification (germline): Likely benign. Review status: criteria provided, multiple submitters, no conflicts (2 of 4 stars). 2 submissions from 2 submitters: Likely benign (2). Last evaluated 2018-01-12.

Conditions:
Leukodystrophy, hypomyelinating, 7, with or without oligodontia and/or hypogonadotropic hypogonadism (HLD7). Also called: LEUKOENCEPHALOPATHY, HYPOMYELINATING, WITH ATAXIA AND DELAYED DENTITION; ATAXIA, DELAYED DENTITION, AND HYPOMYELINATION; LEUKODYSTROPHY, HYPOMYELINATING, 7, WITH OLIGODONTIA; LEUKODYSTROPHY, HYPOMYELINATING, 7, WITH OLIGODONTIA AND HYPOGONADOTROPIC HYPOGONADISM; LEUKODYSTROPHY, HYPOMYELINATING, 7, WITHOUT OLIGODONTIA OR HYPOGONADOTROPIC HYPOGONADISM; Ataxia, Delayed Dentition and Hypomyelination (ADDH). Identifiers: Orphanet 137639, Orphanet 447893, Orphanet 447896, Orphanet 77295, Orphanet 88637, MedGen CN034185, MONDO:0011897, OMIM 607694.

Allele frequency attached by ClinVar (database versions not stated): 1000 Genomes Project 30x 0.00109; 1000 Genomes Project 0.00120; gnomAD exomes 0.00165; gnomAD 0.00171 and 0.00173; TOPMed 0.00216.
gnomAD v4.1: 1,571 of 890,012 alleles (0.18%); highest among the groups gnomAD compares: Middle Eastern, 1.1%; 14 homozygotes.

Submissions (4):

Illumina Laboratory Services, Illumina
Classification: Likely benign for Leukodystrophy, hypomyelinating, 7, with or without oligodontia and/or hypogonadotropic hypogonadism. Last evaluated: 2018-01-12. Review status: criteria provided, single submitter. Criteria: ICSL Variant Classification Criteria 13 December 2019. Collection method: clinical testing. Allele origin: germline.
Comment: This variant was observed in the ICSL laboratory as part of a predisposition screen in an ostensibly healthy population. It had not been previously curated by ICSL or reported in the Human Gene Mutation Database (HGMD: prior to June 1st, 2018), and was therefore a candidate for classification through an automated scoring system. Utilizing variant allele frequency, disease prevalence and penetrance estimates, and inheritance mode, an automated score was calculated to assess if this variant is too frequent to cause the disease. Based on the score and internal cut-off values, a variant classified as likely benign is not then subjected to further curation. The score for this variant resulted in a classification of likely benign for this disease.

Breakthrough Genomics
Classification: Likely benign. Review status: criteria provided, single submitter. Criteria: ACMG Guidelines, 2015. Collection method: not provided. Allele origin: germline. Inheritance: Autosomal recessive inheritance. Affected: yes.

Dr. Peter K. Rogan Lab, Western University
No classification provided (evidence only). Condition: Thyroid cancer, nonmedullary, 1. Review status: no classification provided. Collection method: in vitro. Allele origin: not applicable. Functional consequence: retained intron. Not counted in ClinVar's aggregate classification.

Dr. Peter K. Rogan Lab, Western University
No classification provided (evidence only). Condition: Uterine carcinosarcoma. Review status: no classification provided. Collection method: in vitro. Allele origin: not applicable. Functional consequence: retained intron. Not counted in ClinVar's aggregate classification.

NM_007055.4(POLR3A):c.*135G>T

Gene: POLR3A (RNA polymerase III subunit A; minus strand). Cytogenetic location: 10q22.3.
Variant type: single nucleotide variant.
Coding change: c.*135G>T on transcript NM_007055.4 (MANE Select); 135 bases downstream of the stop codon, G replaced by T.
Molecular consequence: 3 prime UTR variant.
Genome position (GRCh38, 1-based): chr10:77,977,343, C>A on the plus strand (G>T on the coding strand, the complement: POLR3A is on the minus strand). VCF-style: chr10-77977343-C-A. GRCh37 (hg19) VCF-style: chr10-79737101-C-A.
Other names: NC_000010.10:g.79737101C>A.
Identifiers: ClinVar variation 301031 (VCV000301031.7), dbSNP rs531659725, ClinGen allele CA10629145.